The following is an entry in ClinVar:

ClinVar aggregate classification (germline): Uncertain significance (1 of 4 stars; one submission).

Submission:

GeneDx
Classification: Uncertain significance. Last evaluated: 2025-06-27. Review status: criteria provided, single submitter. Criteria: GeneDx Variant Classification Process June 2021. Collection method: clinical testing. Allele origin: germline. Affected: yes.
Comment: Not observed at significant frequency in large population cohorts (gnomAD); In silico analysis supports that this missense variant has a deleterious effect on protein structure/function; Has not been previously published as pathogenic or benign to our knowledge

NM_020338.4(ZMIZ1):c.2672A>T (p.Asn891Ile)

Gene: ZMIZ1 (zinc finger MIZ-type containing 1; plus strand). Cytogenetic location: 10q22.3.
Variant type: single nucleotide variant.
Coding change: c.2672A>T on transcript NM_020338.4 (MANE Select); coding-DNA position 2672, A replaced by T.
Protein change: p.Asn891Ile; replaces asparagine 891 with isoleucine.
Molecular consequence: missense variant.
Genome position (GRCh38, 1-based): chr10:79,307,408, A>T. VCF-style: chr10-79307408-A-T. GRCh37 (hg19) VCF-style: chr10-81067165-A-T.
Other names: short protein forms N891I.
Identifiers: ClinVar variation 4539937 (VCV004539937.1).